The following is an entry in ClinVar:

ClinVar aggregate classification (germline): Uncertain significance (1 of 4 stars; one submission).

Allele frequency attached by ClinVar (database versions not stated): TOPMed below 0.00001; gnomAD exomes 0.00001.
gnomAD v4.1: 8 of 1,613,874 alleles (0.0005%); highest among the groups gnomAD compares: Non-Finnish European, 0.00068%; no homozygotes.

Submission:

Labcorp Genetics (formerly Invitae), Labcorp
Classification: Uncertain significance. Last evaluated: 2022-09-25. Review status: criteria provided, single submitter. Criteria: Invitae Variant Classification Sherloc (09022015). Collection method: clinical testing. Allele origin: germline.
Comment: ClinVar contains an entry for this variant (Variation ID: 1427925). This sequence change replaces aspartic acid, which is acidic and polar, with asparagine, which is neutral and polar, at codon 72 of the CLCN7 protein (p.Asp72Asn). This variant is not present in population databases (gnomAD no frequency). This variant has not been reported in the literature in individuals affected with CLCN7-related conditions. Algorithms developed to predict the effect of missense changes on protein structure and function are either unavailable or do not agree on the potential impact of this missense change (SIFT: "Deleterious"; PolyPhen-2: "Benign"; Align-GVGD: "Class C0"). In summary, the available evidence is currently insufficient to determine the role of this variant in disease. Therefore, it has been classified as a Variant of Uncertain Significance.

NM_001287.6(CLCN7):c.214G>A (p.Asp72Asn)

Gene: CLCN7 (Cl-/H+ antiporter 7; minus strand). Cytogenetic location: 16p13.3.
Variant type: single nucleotide variant.
Coding change: c.214G>A on transcript NM_001287.6 (MANE Select); coding-DNA position 214, G replaced by A.
Protein change: p.Asp72Asn; replaces aspartic acid 72 with asparagine.
Molecular consequence: missense variant.
Genome position (GRCh38, 1-based): chr16:1,461,674, C>T on the plus strand (G>A on the coding strand, the complement: CLCN7 is on the minus strand). VCF-style: chr16-1461674-C-T. GRCh37 (hg19) VCF-style: chr16-1511675-C-T.
Other names: c.142G>A, p.Asp48Asn (NM_001114331.3); short protein forms D48N, D72N.
Identifiers: ClinVar variation 1427925 (VCV001427925.8), dbSNP rs2038940016, ClinGen allele CA394193344.